The following is an entry in ClinVar:

NM_001723.7(DST):c.3683G>C (p.Arg1228Thr)

Gene: DST (dystonin; minus strand). Cytogenetic location: 6p12.1.
Variant type: single nucleotide variant.
Coding change: c.3683G>C on transcript NM_001723.7 (MANE Plus Clinical); coding-DNA position 3683, G replaced by C.
Protein change: p.Arg1228Thr; replaces arginine 1228 with threonine.
Molecular consequence: missense variant. On other transcripts: intron variant (10).
Genome position (GRCh38, 1-based): chr6:56,620,351, C>G on the plus strand (G>C on the coding strand, the complement: DST is on the minus strand). VCF-style: chr6-56620351-C-G. GRCh37 (hg19) VCF-style: chr6-56485149-C-G.
Other names: c.4830+4179G>C (NM_001144769.5); c.4929+4179G>C (NM_001374722.1, NM_001374736.1); c.4956+4179G>C (NM_001374734.1); c.4416+4179G>C (NM_001144770.2); c.4296+4179G>C (NM_001374730.1, NM_001386100.1, NM_183380.4 and 1 more transcripts); c.3318+4179G>C (NM_015548.5); short protein forms R1228T.
Identifiers: ClinVar variation 1470558 (VCV001470558.8), dbSNP rs2152739507, ClinGen allele CA364571373.

ClinVar aggregate classification (germline): Uncertain significance (1 of 4 stars; one submission).

Conditions:
Hereditary sensory and autonomic neuropathy type 6. Also called: HSAN VI; Neuropathy, hereditary sensory and autonomic, type VI. Identifiers: Orphanet 314381, MedGen C3539003, MONDO:0013839, OMIM 614653.
Epidermolysis bullosa simplex 3, localized or generalized intermediate, with BP230 deficiency (EBS3). Also called: Epidermolysis bullosa simplex, autosomal recessive 2; Epidermolysis bullosa simplex due to BP230 deficiency. Identifiers: Orphanet 412181, MedGen C3809470, MONDO:0014180, OMIM 615425.

gnomAD v4.1: 1 of 1,614,182 alleles (0.000062%); highest among the groups gnomAD compares: Non-Finnish European, 0.000085%; no homozygotes.

Submission:

Labcorp Genetics (formerly Invitae), Labcorp
Classification: Uncertain significance for Epidermolysis bullosa simplex 3, localized or generalized intermediate, with BP230 deficiency; Hereditary sensory and autonomic neuropathy type 6. Last evaluated: 2021-04-24. Review status: criteria provided, single submitter. Criteria: Invitae Variant Classification Sherloc (09022015). Collection method: clinical testing. Allele origin: germline.
Comment: In summary, the available evidence is currently insufficient to determine the role of this variant in disease. Therefore, it has been classified as a Variant of Uncertain Significance. Algorithms developed to predict the effect of missense changes on protein structure and function are either unavailable or do not agree on the potential impact of this missense change (SIFT: "Deleterious"; PolyPhen-2: "Probably Damaging"; Align-GVGD: "Class C0"). This variant has not been reported in the literature in individuals with DST-related conditions. This variant is not present in population databases (ExAC no frequency). This sequence change replaces arginine with threonine at codon 1228 of the DST protein (p.Arg1228Thr). The arginine residue is weakly conserved and there is a moderate physicochemical difference between arginine and threonine.